The following is an entry in ClinVar:

ClinVar aggregate classification (germline): Conflicting classifications of pathogenicity. Review status: criteria provided, conflicting classifications (1 of 4 stars). 4 submissions from 4 submitters: Uncertain significance (1); Likely benign (3). Last evaluated 2025-11-23.

Conditions:
Autosomal recessive limb-girdle muscular dystrophy type 2J (LGMDR10). Also called: MUSCULAR DYSTROPHY, LIMB-GIRDLE, AUTOSOMAL RECESSIVE 10; Limb-girdle muscular dystrophy, type 2J. Identifiers: Orphanet 140922, MedGen C1837342, MONDO:0012127, OMIM 608807.
Dilated cardiomyopathy 1G (CMD1G). Identifiers: Orphanet 154, MedGen C1858763, MONDO:0011400, OMIM 604145.
Cardiovascular phenotype. Identifiers: MedGen CN230736.

Allele frequency attached by ClinVar (database versions not stated): gnomAD 0.00001 and 0.00003; gnomAD exomes 0.00002; ExAC 0.00003; TOPMed 0.00003.
gnomAD v4.1: 32 of 1,608,238 alleles (0.002%); highest among the groups gnomAD compares: African/African-American, 0.029%; no homozygotes.

Submissions (4):

Labcorp Genetics (formerly Invitae), Labcorp
Classification: Likely benign for Dilated cardiomyopathy 1G; Autosomal recessive limb-girdle muscular dystrophy type 2J. Last evaluated: 2025-11-23. Review status: criteria provided, single submitter. Criteria: Invitae Variant Classification Sherloc (09022015). Collection method: clinical testing. Allele origin: germline.

Ambry Genetics
Classification: Likely benign for Cardiovascular phenotype. Last evaluated: 2019-05-19. Review status: criteria provided, single submitter. Criteria: Ambry Variant Classification Scheme 2023. Collection method: clinical testing. Allele origin: germline.

GeneDx
Classification: Likely benign. Last evaluated: 2017-10-03. Review status: criteria provided, single submitter. Criteria: GeneDx Variant Classification (06012015). Collection method: clinical testing. Allele origin: germline. Affected: yes.
Comment: This variant is considered likely benign or benign based on one or more of the following criteria: it is a conservative change, it occurs at a poorly conserved position in the protein, it is predicted to be benign by multiple in silico algorithms, and/or has population frequency not consistent with disease.

Eurofins Ntd Llc (ga)
Classification: Uncertain significance. Last evaluated: 2017-03-09. Review status: criteria provided, single submitter. Criteria: EGL Classification Definitions 2015. Collection method: clinical testing. Allele origin: germline. Observed: 1 variant allele, 1 heterozygote.

NM_001267550.2(TTN):c.94590A>G (p.Pro31530=)

Genes: TTN (titin; minus strand), TTN-AS1 (TTN antisense RNA 1; plus strand). Cytogenetic location: 2q31.2.
Variant type: single nucleotide variant.
Coding change: c.94590A>G on transcript NM_001267550.2 (MANE Select); coding-DNA position 94590, A replaced by G.
Protein change: p.Pro31530=; no amino-acid change (proline 31530 retained).
Molecular consequence: synonymous variant.
Genome position (GRCh38, 1-based): chr2:178,546,838, T>C on the plus strand (A>G on the coding strand, the complement: TTN is on the minus strand). VCF-style: chr2-178546838-T-C. GRCh37 (hg19) VCF-style: chr2-179411565-T-C.
Other names: c.89667A>G, p.Pro29889= (NM_001256850.1); c.67395A>G, p.Pro22465= (NM_003319.4); c.86886A>G, p.Pro28962= (NM_133378.4); c.67770A>G, p.Pro22590= (NM_133432.3); c.67971A>G, p.Pro22657= (NM_133437.4).
Identifiers: ClinVar variation 500739 (VCV000500739.17), dbSNP rs558347312, ClinGen allele CA1987098.